The following is an entry in ClinVar:

NM_144687.4(NLRP12):c.896T>G (p.Leu299Arg)

Gene: NLRP12 (NLR family pyrin domain containing 12; minus strand). Cytogenetic location: 19q13.42.
Variant type: single nucleotide variant.
Coding change: c.896T>G on transcript NM_144687.4 (MANE Select); coding-DNA position 896, T replaced by G.
Protein change: p.Leu299Arg; replaces leucine 299 with arginine.
Molecular consequence: missense variant.
Genome position (GRCh38, 1-based): chr19:53,810,763, A>C on the plus strand (T>G on the coding strand, the complement: NLRP12 is on the minus strand). VCF-style: chr19-53810763-A-C. GRCh37 (hg19) VCF-style: chr19-54314017-A-C.
Other names: c.896T>G, p.Leu299Arg (NM_001277126.2, NM_001277129.1); short protein forms L299R.
Identifiers: ClinVar variation 2787121 (VCV002787121.3), dbSNP rs2092057370, ClinGen allele CA407415567.

ClinVar aggregate classification (germline): Uncertain significance (1 of 4 stars; one submission).

Conditions:
Familial cold autoinflammatory syndrome 2 (FCAS2). Identifiers: Orphanet 247868, MedGen C2673198, MONDO:0012724, OMIM 611762.

Allele frequency attached by ClinVar (database versions not stated): TOPMed below 0.00001.

Submission:

Labcorp Genetics (formerly Invitae), Labcorp
Classification: Uncertain significance for Familial cold autoinflammatory syndrome 2. Last evaluated: 2023-11-03. Review status: criteria provided, single submitter. Criteria: Invitae Variant Classification Sherloc (09022015). Collection method: clinical testing. Allele origin: germline.
Comment: This sequence change replaces leucine, which is neutral and non-polar, with arginine, which is basic and polar, at codon 299 of the NLRP12 protein (p.Leu299Arg). This variant is not present in population databases (gnomAD no frequency). This variant has not been reported in the literature in individuals affected with NLRP12-related conditions. Advanced modeling of protein sequence and biophysical properties (such as structural, functional, and spatial information, amino acid conservation, physicochemical variation, residue mobility, and thermodynamic stability) performed at Invitae indicates that this missense variant is expected to disrupt NLRP12 protein function with a positive predictive value of 80%. In summary, the available evidence is currently insufficient to determine the role of this variant in disease. Therefore, it has been classified as a Variant of Uncertain Significance.